The following is an entry in ClinVar:

ClinVar aggregate classification (germline): Uncertain significance (1 of 4 stars; one submission).

Submission:

GeneDx
Classification: Uncertain significance. Last evaluated: 2012-02-14. Review status: criteria provided, single submitter. Criteria: GeneDx Variant Classification (06012015). Collection method: clinical testing. Allele origin: germline. Affected: yes.
Comment: p.Phe98Leu (TTC>TTA): c.294 C>A in exon 3 in the LGI1 gene (NM_005097.2). The F98L missense substitution in the LGI1 gene has not been reported previously as a disease-causing mutation nor as a benign polymorphism, to our knowledge. The F98L variant was not observed in approximately 6,500 individuals of European and African American ancestry in the NHLBI Exome Sequencing Project, indicating it is not a common benign variant in these populations. F98L alters a highly conserved position in the leucine-rich LRR2 domain of the LGI1 protein, and another missense mutation in this domain (A110D) has been published in association with temporal lobe epilepsy (Ottman et al., 2004; Nobile et al., 2009). Polymorphisms in the coding exons of the LGI1 gene are extremely rare (Nobile et al., 2009). However, F98L is a conservative amino acid change, as Phenylalanine and Leucine are both uncharged, non-polar amino acids. Therefore, we interpret F98L as a variant of unknown significance. The variant is found in EPILEPSY panel(s).

NM_005097.4(LGI1):c.294C>A (p.Phe98Leu)

Gene: LGI1 (leucine rich glioma inactivated 1; plus strand). Cytogenetic location: 10q23.33.
Variant type: single nucleotide variant.
Coding change: c.294C>A on transcript NM_005097.4 (MANE Select); coding-DNA position 294, C replaced by A.
Protein change: p.Phe98Leu; replaces phenylalanine 98 with leucine.
Molecular consequence: missense variant. On other transcripts: intron variant (1).
Genome position (GRCh38, 1-based): chr10:93,777,385, C>A. VCF-style: chr10-93777385-C-A. GRCh37 (hg19) VCF-style: chr10-95537142-C-A.
Other names: p.F98L:TTC>TTA; c.294C>A, p.Phe98Leu (NM_001308275.2); c.288-12714C>A (NM_001308276.2); short protein forms F98L.
Identifiers: ClinVar variation 206026 (VCV000206026.2), dbSNP rs796052694, ClinGen allele CA315713.